The following is an entry in ClinVar:

NM_002693.3(POLG):c.1850G>A (p.Arg617His)

Gene: POLG (DNA polymerase gamma, catalytic subunit; minus strand). Cytogenetic location: 15q26.1.
Variant type: single nucleotide variant.
Coding change: c.1850G>A on transcript NM_002693.3 (MANE Select); coding-DNA position 1850, G replaced by A.
Protein change: p.Arg617His; replaces arginine 617 with histidine.
Molecular consequence: missense variant.
Genome position (GRCh38, 1-based): chr15:89,325,549, C>T on the plus strand (G>A on the coding strand, the complement: POLG is on the minus strand). VCF-style: chr15-89325549-C-T. GRCh37 (hg19) VCF-style: chr15-89868780-C-T.
Other names: c.1850G>A, p.Arg617His (NM_001126131.2); short protein forms R617H.
Identifiers: ClinVar variation 282075 (VCV000282075.19), dbSNP rs779961986, ClinGen allele CA7724675.

ClinVar aggregate classification (germline): Conflicting classifications of pathogenicity. Review status: criteria provided, conflicting classifications (1 of 4 stars). 7 submissions from 7 submitters: Uncertain significance (5); Benign (1); Likely benign (1). Last evaluated 2024-10-10.

Conditions:
Inborn genetic diseases. Identifiers: MedGen C0950123, MeSH D030342.
Progressive sclerosing poliodystrophy (MTDPS4A). Also called: Alpers Syndrome; Mitochondrial DNA Depletion Syndrome 4A; Alpers-Huttenlocher Syndrome (AHS); ALPERS PROGRESSIVE INFANTILE POLIODYSTROPHY; NEURONAL DEGENERATION OF CHILDHOOD WITH LIVER DISEASE, PROGRESSIVE; ALPERS DIFFUSE DEGENERATION OF CEREBRAL GRAY MATTER WITH HEPATIC CIRRHOSIS. Identifiers: Orphanet 726, MedGen C0205710, MONDO:0008758, OMIM 203700.

Allele frequency attached by ClinVar (database versions not stated): ExAC 0.00002; gnomAD exomes 0.00002 and 0.00003; TOPMed 0.00004; gnomAD 0.00005.
gnomAD v4.1: 34 of 1,613,360 alleles (0.0021%); highest among the groups gnomAD compares: South Asian, 0.014%; 2 homozygotes.

Submissions (7):

Labcorp Genetics (formerly Invitae), Labcorp
Classification: Uncertain significance for Progressive sclerosing poliodystrophy. Last evaluated: 2024-10-10. Review status: criteria provided, single submitter. Criteria: Invitae Variant Classification Sherloc (09022015). Collection method: clinical testing. Allele origin: germline.
Comment: This sequence change replaces arginine, which is basic and polar, with histidine, which is basic and polar, at codon 617 of the POLG protein (p.Arg617His). This variant is present in population databases (rs779961986, gnomAD 0.02%). This variant has not been reported in the literature in individuals affected with POLG-related conditions. ClinVar contains an entry for this variant (Variation ID: 282075). Invitae Evidence Modeling of protein sequence and biophysical properties (such as structural, functional, and spatial information, amino acid conservation, physicochemical variation, residue mobility, and thermodynamic stability) indicates that this missense variant is not expected to disrupt POLG protein function with a negative predictive value of 95%. In summary, the available evidence is currently insufficient to determine the role of this variant in disease. Therefore, it has been classified as a Variant of Uncertain Significance.

Athena Diagnostics
Classification: Uncertain significance. Last evaluated: 2022-05-02. Review status: criteria provided, single submitter. Criteria: Athena Diagnostics Criteria. Collection method: clinical testing. Allele origin: unknown.

Ambry Genetics
Classification: Uncertain significance for Inborn genetic diseases. Last evaluated: 2020-12-19. Review status: criteria provided, single submitter. Criteria: Ambry Variant Classification Scheme 2023. Collection method: clinical testing. Allele origin: germline.

Revvity Omics, Revvity
Classification: Uncertain significance. Last evaluated: 2019-08-01. Review status: criteria provided, single submitter. Criteria: ACMG Guidelines, 2015. Collection method: clinical testing. Allele origin: germline.

Wong Mito Lab, Molecular and Human Genetics, Baylor College of Medicine
Classification: Benign for Progressive sclerosing poliodystrophy. Last evaluated: 2018-10-01. Review status: criteria provided, single submitter. Criteria: ACMG Guidelines, 2015. Collection method: clinical testing. Allele origin: germline.
Comment: The NM_002693.2:c.1850G>A (NP_002684.1:p.Arg617His) [GRCH38: NC_000015.10:g.89325549C>T] variant in POLG gene is interpretated to be a Benign based on ACMG guidelines (PMID: 25741868). This variant meets the following evidence codes reported in the ACMG-guideline. BS1:The minor allele frequency of this allele is high for Mitochondrial DNA depletion syndrome 4A (Alpers type). BS2:Observation of the variant in controls is inconsistent with penetrance of Mitochondrial DNA depletion syndrome 4A (Alpers type). Based on the evidence criteria codes applied, the variant is suggested to be Benign.

GeneDx
Classification: Likely benign. Last evaluated: 2018-05-17. Review status: criteria provided, single submitter. Criteria: GeneDx Variant Classification Process June 2021. Collection method: clinical testing. Allele origin: germline. Affected: yes.
Comment: This variant is associated with the following publications: (PMID: 18546365)

Eurofins Ntd Llc (ga)
Classification: Uncertain significance. Last evaluated: 2018-01-12. Review status: criteria provided, single submitter. Criteria: EGL Classification Definitions 2015. Collection method: clinical testing. Allele origin: germline. Observed: 2 variant alleles, 2 heterozygotes.